The following is an entry in ClinVar:

ClinVar aggregate classification (germline): Uncertain significance (1 of 4 stars; one submission).

Submission:

Labcorp Genetics (formerly Invitae), Labcorp
Classification: Uncertain significance. Last evaluated: 2019-07-22. Review status: criteria provided, single submitter. Criteria: Invitae Variant Classification Sherloc (09022015). Collection method: clinical testing. Allele origin: germline.
Comment: In summary, the available evidence is currently insufficient to determine the role of this variant in disease. Therefore, it has been classified as a Variant of Uncertain Significance. Algorithms developed to predict the effect of missense changes on protein structure and function (SIFT, PolyPhen-2, Align-GVGD) all suggest that this variant is likely to be tolerated, but these predictions have not been confirmed by published functional studies and their clinical significance is uncertain. This variant has not been reported in the literature in individuals with TPP1-related conditions. This variant is not present in population databases (ExAC no frequency). This sequence change replaces serine with proline at codon 367 of the TPP1 protein (p.Ser367Pro). The serine residue is moderately conserved and there is a moderate physicochemical difference between serine and proline.

NM_000391.4(TPP1):c.1099T>C (p.Ser367Pro)

Gene: TPP1 (tripeptidyl peptidase 1; minus strand). Cytogenetic location: 11p15.4.
Variant type: single nucleotide variant.
Coding change: c.1099T>C on transcript NM_000391.4 (MANE Select); coding-DNA position 1099, T replaced by C.
Protein change: p.Ser367Pro; replaces serine 367 with proline.
Molecular consequence: missense variant.
Genome position (GRCh38, 1-based): chr11:6,616,051, A>G on the plus strand (T>C on the coding strand, the complement: TPP1 is on the minus strand). VCF-style: chr11-6616051-A-G. GRCh37 (hg19) VCF-style: chr11-6637282-A-G.
Other names: short protein forms S367P.
Identifiers: ClinVar variation 952293 (VCV000952293.9), dbSNP rs1855575694, ClinGen allele CA379473812.
Genomic context (GRCh38, chr11:6,616,051, plus strand): 5'-GCTAGAGTACTTACCTGGAGGCAGGGAAGGTAGGGCGGAACTGGTGTCTTCCAGAGACAG[A>G]CCAACACCCGGCCCCACTGTCACCTGAGAGAGACCAAGTGTAGCATTCATATTAATTGGT-3'
Protein context (NP_000382.3, residues 357-377): ASGDSGAGCW[Ser367Pro]VSGRHQFRPT